The following is an entry in ClinVar:

NM_020822.3(KCNT1):c.94G>T (p.Gly32Cys)

Gene: KCNT1 (potassium sodium-activated channel subfamily T member 1; plus strand). Cytogenetic location: 9q34.3.
Variant type: single nucleotide variant.
Coding change: c.94G>T on transcript NM_020822.3 (MANE Select); coding-DNA position 94, G replaced by T.
Protein change: p.Gly32Cys; replaces glycine 32 with cysteine.
Molecular consequence: missense variant.
Genome position (GRCh38, 1-based): chr9:135,702,352, G>T. VCF-style: chr9-135702352-G-T. GRCh37 (hg19) VCF-style: chr9-138594198-G-T.
Other names: c.94G>T, p.Gly32Cys (NM_001272003.2); short protein forms G32C.
Identifiers: ClinVar variation 412312 (VCV000412312.13), dbSNP rs754823810, ClinGen allele CA5326251.

ClinVar aggregate classification (germline): Conflicting classifications of pathogenicity. Review status: criteria provided, conflicting classifications (1 of 4 stars). 2 submissions from 2 submitters: Uncertain significance (1); Likely benign (1). Last evaluated 2025-08-15.

Conditions:
Inborn genetic diseases. Identifiers: MedGen C0950123, MeSH D030342.
Developmental and epileptic encephalopathy, 14 (DEE14). Also called: Early infantile epileptic encephalopathy 14. Identifiers: Orphanet 293181, MedGen C3554195, MONDO:0013989, OMIM 614959.
Autosomal dominant nocturnal frontal lobe epilepsy 5. Also called: CILIARY DYSKINESIA, PRIMARY, 28, WITH SITUS INVERSUS; Epilepsy, nocturnal frontal lobe, 5; CILIARY DYSKINESIA, PRIMARY, 28, WITHOUT SITUS INVERSUS; KCNT1-Related Epilepsy. Identifiers: Orphanet 98784, MedGen C3554306, MONDO:0014002, OMIM 615005.

Allele frequency attached by ClinVar (database versions not stated): TOPMed 0.00001.
gnomAD v4.1: 8 of 1,611,212 alleles (0.0005%); highest among the groups gnomAD compares: Admixed American, 0.013%; no homozygotes.

Submissions (2):

Labcorp Genetics (formerly Invitae), Labcorp
Classification: Likely benign for Autosomal dominant nocturnal frontal lobe epilepsy 5; Developmental and epileptic encephalopathy, 14. Last evaluated: 2025-08-15. Review status: criteria provided, single submitter. Criteria: Invitae Variant Classification Sherloc (09022015). Collection method: clinical testing. Allele origin: germline.

Ambry Genetics
Classification: Uncertain significance for Inborn genetic diseases. Last evaluated: 2018-04-19. Review status: criteria provided, single submitter. Criteria: Ambry Variant Classification Scheme 2023. Collection method: clinical testing. Allele origin: germline.
Comment: The p.G32C variant (also known as c.94G>T), located in coding exon 1 of the KCNT1 gene, results from a G to T substitution at nucleotide position 94. The glycine at codon 32 is replaced by cysteine, an amino acid with highly dissimilar properties. This amino acid position is not well conserved in available vertebrate species, and cysteine is the reference amino acid in other vertebrate species. In addition, this alteration is predicted to be tolerated by in silico analysis. Since supporting evidence is limited at this time, the clinical significance of this alteration remains unclear.